The following is an entry in ClinVar:

ClinVar aggregate classification (germline): Likely benign (1 of 4 stars; one submission).

Allele frequency attached by ClinVar (database versions not stated): 1000 Genomes Project 0.00220; 1000 Genomes Project 30x 0.00234.
gnomAD v4.1: 8,785 of 985,464 alleles (0.89%); highest among the groups gnomAD compares: Non-Finnish European, 0.98%; 40 homozygotes.

Submission:

CeGaT Center for Human Genetics Tuebingen
Classification: Likely benign. Last evaluated: 2023-04-01. Review status: criteria provided, single submitter. Criteria: CeGaT Center For Human Genetics Tuebingen Variant Classification Criteria Version 2. Collection method: clinical testing. Allele origin: germline. Affected: yes. Observed: 2 variant alleles.
Comment: CCDC187: BS2

NM_001378188.1(CCDC187):c.4817C>G (p.Ser1606Trp)

Genes: CCDC187 (coiled-coil domain containing 187; minus strand), LOC108254693 (9q34.3 QSOX2 distal recombination region; plus strand). Cytogenetic location: 9q34.3.
Variant type: single nucleotide variant.
Coding change: c.4817C>G on transcript NM_001378188.1 (MANE Select); coding-DNA position 4817, C replaced by G.
Protein change: p.Ser1606Trp; replaces serine 1606 with tryptophan.
Molecular consequence: missense variant.
Genome position (GRCh38, 1-based): chr9:136,255,011, G>C on the plus strand (C>G on the coding strand, the complement: CCDC187 is on the minus strand). VCF-style: chr9-136255011-G-C. GRCh37 (hg19) VCF-style: chr9-139146857-G-C.
Other names: short protein forms S1606W.
Identifiers: ClinVar variation 2659730 (VCV002659730.24), dbSNP rs145688721, ClinGen allele CA13138044.
Genomic context (GRCh38, chr9:136,255,011, plus strand): 5'-CAGGACAGGCTGCTCACAGAGCCTGCTGGGGAGGTGTGGGATGACACCGTGGCTTCTTCC[G>C]AAGGCCCCCAGCAGGTTCCAGAAGCAGACTCAGAGCCTGGACCGCAGGAGGAGGTGGTGG-3'
Protein context (NP_001365117.1, residues 1596-1616): ESASGTCWGP[Ser1606Trp]EEATVSSHTS